The following is an entry in ClinVar:

NM_001042492.3(NF1):c.2251G>C (p.Gly751Arg)

Gene: NF1 (neurofibromin 1; plus strand). Cytogenetic location: 17q11.2.
Variant type: single nucleotide variant.
Coding change: c.2251G>C on transcript NM_001042492.3 (MANE Select); coding-DNA position 2251, G replaced by C.
Protein change: p.Gly751Arg; replaces glycine 751 with arginine.
Molecular consequence: missense variant.
Genome position (GRCh38, 1-based): chr17:31,226,684, G>C. VCF-style: chr17-31226684-G-C. GRCh37 (hg19) VCF-style: chr17-29553702-G-C.
Other names: c.2251G>C, p.Gly751Arg (NM_000267.4); short protein forms G751R.
Identifiers: ClinVar variation 584927 (VCV000584927.11), dbSNP rs1567847681, ClinGen allele CA398982594.

ClinVar aggregate classification (germline): Pathogenic/Likely pathogenic. Review status: criteria provided, multiple submitters, no conflicts (2 of 4 stars). 5 submissions from 5 submitters: Pathogenic (2); Likely pathogenic (3). Last evaluated 2025-01-16.

Conditions:
Neurofibromatosis, type 1 (NF1). Also called: Peripheral type neurofibromatosis; VON RECKLINGHAUSEN DISEASE; NEUROFIBROMATOSIS, TYPE I, SOMATIC; Neurofibromatosis, type I. Identifiers: Orphanet 636, MedGen C0027831, MONDO:0018975, OMIM 162200. Disease mechanism: loss of function.

Submissions (6):

ARUP Laboratories, Molecular Genetics and Genomics, ARUP Laboratories
Classification: Likely pathogenic. Last evaluated: 2025-01-16. Review status: criteria provided, single submitter. Criteria: ARUP Molecular Germline Variant Investigation Process 2024. Collection method: clinical testing. Allele origin: germline.
Comment: The NF1 c.2251G>C; p.Gly751Arg variant (rs1567847681, ClinVar Variation ID 584927) is reported in the literature in three individuals (two related) affected with neurofibromatosis type I (Giugliano 2019, Napolitano 2022) and one individual with breast cancer (Guindalini 2022). This variant is absent from the Genome Aggregation Database (v2.1.1), indicating it is not a common polymorphism. Additionally, another variant at this codon (c.2251G>A, p.Gly751Arg) has been reported in individuals with a clinical diagnosis or suspicion of neurofibromatosis type I (Griffiths 2007, Pros 2008) and breast cancer (Frayling 2019) and is considered likely pathogenic/pathogenic (rs1567847681, ClinVar Variation ID: 655108). An in vitro functional analysis of the c.2251G>C; p.Gly751Arg variant demonstrated skipping of exon 18 (Giugliano 2019). Computational analyses (Alamut Visual Plus v.1.5.1) predict that this variant may impact splicing by weakening the nearby canonical donor splice site. Based on available information, NF1 c.2251G>C; p.Gly751Arg variant is considered to be likely pathogenic. References: Frayling IM et al. Breast cancer risk in neurofibromatosis type 1 is a function of the type of NF1 gene mutation: a new genotype-phenotype correlation. J Med Genet. 2019 Apr;56(4):209-219. PMID: 30530636. Giugliano T et al. Clinical and Genetic Findings in Children with Neurofibromatosis Type 1, Legius Syndrome, and Other Related Neurocutaneous Disorders. Genes (Basel). 2019 Jul 31;10(8):580. PMID: 31370276. Griffiths S et al. Molecular diagnosis of neurofibromatosis type 1: 2 years experience. Fam Cancer. 2007;6(1):21-34. PMID: 16944272. Guindalini RSC et al. Detection of germline variants in Brazilian breast cancer patients using multigene panel testing. Sci Rep. 2022 Mar 9;12(1):4190. PMID: 35264596. Napolitano F et al. Genotype-Phenotype Correlations in Neurofibromatosis Type 1: Identification of Novel and Recurrent NF1 Gene Variants and Correlations with Neurocognitive Phenotype. Genes (Basel). 2022 Jun 23;13(7):1130. PMID: 35885913. Pros E et al. Nature and mRNA effect of 282 different NF1 point mutations: focus on splicing alterations. Hum Mutat. 2008 Sep;29(9):E173-93. PMID: 18546366.

GeneDx
Classification: Pathogenic. Last evaluated: 2023-02-21. Review status: criteria provided, single submitter. Criteria: GeneDx Variant Classification Process June 2021. Collection method: clinical testing. Allele origin: germline. Affected: yes.
Comment: Not observed at significant frequency in large population cohorts (gnomAD); Alters the last nucleotide of the exon and shown to result in aberrant splicing and premature truncation (Giugliano et al., 2019); This variant is associated with the following publications: (PMID: 25486365, 16944272, 18546366, 30530636, 31370276, 35264596)

Genome-Nilou Lab
Classification: Likely pathogenic for Neurofibromatosis, type 1. Last evaluated: 2022-03-15. Review status: criteria provided, single submitter. Criteria: ACMG Guidelines, 2015. Collection method: clinical testing. Allele origin: germline. Affected: no.

Labcorp Genetics (formerly Invitae), Labcorp
Classification: Pathogenic for Neurofibromatosis, type 1. Last evaluated: 2021-09-18. Review status: criteria provided, single submitter. Criteria: Invitae Variant Classification Sherloc (09022015). Collection method: clinical testing. Allele origin: germline.
Comment: For these reasons, this variant has been classified as Pathogenic. This variant disrupts the c.2251G nucleotide in the NF1 gene. Other variant(s) that disrupt this nucleotide have been determined to be pathogenic (PMID: 16944272, 18546366, 30530636; Invitae). This suggests that this nucleotide is clinically significant, and that variants that disrupt this position are likely to be disease-causing. Variants that disrupt the consensus splice site are a relatively common cause of aberrant splicing (PMID: 17576681, 9536098). Studies have shown that this missense change results in skipping of exon 18 and introduces a premature termination codon (Invitae). The resulting mRNA is expected to undergo nonsense-mediated decay. Algorithms developed to predict the effect of missense changes on protein structure and function are either unavailable or do not agree on the potential impact of this missense change (SIFT: "Deleterious"; PolyPhen-2: "Probably Damaging"; Align-GVGD: "Class C0"). ClinVar contains an entry for this variant (Variation ID: 584927). This missense change has been observed in individual(s) with neurofibromatosis type 1 (PMID: 31370276). This variant is not present in population databases (ExAC no frequency). This sequence change replaces glycine with arginine at codon 751 of the NF1 protein (p.Gly751Arg). The glycine residue is moderately conserved and there is a moderate physicochemical difference between glycine and arginine. RNA analysis indicates that this missense change induces altered splicing and may result in an absent or disrupted protein product.

Mendelics
Classification: Likely pathogenic for Neurofibromatosis, type 1. Last evaluated: 2018-07-02. Review status: criteria provided, single submitter. Criteria: Mendelics Assertion Criteria 2017. Collection method: clinical testing. Allele origin: unknown.

Dr. Peter K. Rogan Lab, Western University
No classification provided (evidence only). Condition: Sarcoma. Review status: no classification provided. Collection method: in vitro. Allele origin: not applicable. Functional consequence: skipped exon, retained intron. Not counted in ClinVar's aggregate classification.

Literature cited by the submitters: PubMed 16944272 (cited by Labcorp Genetics (formerly Invitae), Labcorp); PubMed 18546366 (cited by Labcorp Genetics (formerly Invitae), Labcorp); PubMed 30530636 (cited by Labcorp Genetics (formerly Invitae), Labcorp); PubMed 17576681 (cited by Labcorp Genetics (formerly Invitae), Labcorp); PubMed 9536098 (cited by Labcorp Genetics (formerly Invitae), Labcorp); PubMed 31370276 (cited by Labcorp Genetics (formerly Invitae), Labcorp).